The following is an entry in ClinVar:

NM_022114.4(PRDM16):c.2617C>T (p.Arg873Trp)

Gene: PRDM16 (PR/SET domain 16; plus strand). Cytogenetic location: 1p36.32.
Variant type: single nucleotide variant.
Coding change: c.2617C>T on transcript NM_022114.4 (MANE Select); coding-DNA position 2617, C replaced by T.
Protein change: p.Arg873Trp; replaces arginine 873 with tryptophan.
Molecular consequence: missense variant.
Genome position (GRCh38, 1-based): chr1:3,414,573, C>T. VCF-style: chr1-3414573-C-T. GRCh37 (hg19) VCF-style: chr1-3331137-C-T.
Other names: c.2617C>T, p.Arg873Trp (NM_199454.3); short protein forms R873W.
Identifiers: ClinVar variation 2053358 (VCV002053358.4), dbSNP rs754375101, ClinGen allele CA544547.

ClinVar aggregate classification (germline): Uncertain significance (1 of 4 stars; one submission).

Conditions:
Left ventricular noncompaction 8 (LVNC8). Identifiers: Orphanet 154, Orphanet 54260, MedGen C3809288, MONDO:0014152, OMIM 615373.

Allele frequency attached by ClinVar (database versions not stated): gnomAD 0.00001; TOPMed 0.00004; ExAC 0.00003.
gnomAD v4.1: 21 of 1,613,078 alleles (0.0013%); highest among the groups gnomAD compares: Admixed American, 0.018%; no homozygotes.

Submission:

Labcorp Genetics (formerly Invitae), Labcorp
Classification: Uncertain significance for Left ventricular noncompaction 8. Last evaluated: 2024-04-17. Review status: criteria provided, single submitter. Criteria: Invitae Variant Classification Sherloc (09022015). Collection method: clinical testing. Allele origin: germline.
Comment: This sequence change replaces arginine, which is basic and polar, with tryptophan, which is neutral and slightly polar, at codon 873 of the PRDM16 protein (p.Arg873Trp). This variant is present in population databases (rs754375101, gnomAD 0.03%). This variant has not been reported in the literature in individuals affected with PRDM16-related conditions. ClinVar contains an entry for this variant (Variation ID: 2053358). An algorithm developed to predict the effect of missense changes on protein structure and function (PolyPhen-2) suggests that this variant is likely to be disruptive. In summary, the available evidence is currently insufficient to determine the role of this variant in disease. Therefore, it has been classified as a Variant of Uncertain Significance.